The following is an entry in ClinVar:

NM_005228.5(EGFR):c.1513G>T (p.Val505Phe)

Gene: EGFR (epidermal growth factor receptor; plus strand). Cytogenetic location: 7p11.2.
Variant type: single nucleotide variant.
Coding change: c.1513G>T on transcript NM_005228.5 (MANE Select); coding-DNA position 1513, G replaced by T.
Protein change: p.Val505Phe; replaces valine 505 with phenylalanine.
Molecular consequence: missense variant.
Genome position (GRCh38, 1-based): chr7:55,161,513, G>T. VCF-style: chr7-55161513-G-T. GRCh37 (hg19) VCF-style: chr7-55229206-G-T.
Other names: c.1378G>T, p.Val460Phe (NM_001346897.2, NM_001346899.2); c.1513G>T, p.Val505Phe (NM_001346898.2, NM_201282.2, NM_201284.2); c.1354G>T, p.Val452Phe (NM_001346900.2); c.712G>T, p.Val238Phe (NM_001346941.2); c.1513G>T (NM_005228.3); short protein forms V505F, V238F, V452F, V460F.
Identifiers: ClinVar variation 1504501 (VCV001504501.8), dbSNP rs2128942714, ClinGen allele CA367579790.

ClinVar aggregate classification (germline): Uncertain significance. Review status: criteria provided, multiple submitters, no conflicts (2 of 4 stars). 3 submissions from 3 submitters: Uncertain significance (3). Last evaluated 2025-12-18.

Conditions:
Hereditary cancer-predisposing syndrome. Also called: Neoplastic Syndromes, Hereditary; Tumor predisposition; Hereditary Cancer Syndrome; Hereditary neoplastic syndrome. Identifiers: Orphanet 140162, MedGen C0027672, MeSH D009386, MONDO:0015356.
Inflammatory skin and bowel disease, neonatal, 2 (NNCIS). Identifiers: Orphanet 294023, MedGen C4015130, MONDO:0014481, OMIM 616069.
Lung cancer. Also called: Lung cancer, somatic; Malignant tumor of lung. Identifiers: MedGen C0242379, MONDO:0008903, OMIM 211980.
EGFR-related lung cancer (EGFR). Identifiers: MedGen CN130014.

Submissions (3):

Ambry Genetics
Classification: Uncertain significance for Hereditary cancer-predisposing syndrome. Last evaluated: 2025-12-18. Review status: criteria provided, single submitter. Criteria: Ambry Variant Classification Scheme 2023. Collection method: clinical testing. Allele origin: germline.
Comment: The p.V505F variant (also known as c.1513G>T), located in coding exon 13 of the EGFR gene, results from a G to T substitution at nucleotide position 1513. The valine at codon 505 is replaced by phenylalanine, an amino acid with highly similar properties. This amino acid position is not well conserved in available vertebrate species. In addition, this alteration is predicted to be tolerated by in silico analysis. Based on the available evidence, the clinical significance of this variant remains unclear.

Labcorp Genetics (formerly Invitae), Labcorp
Classification: Uncertain significance for EGFR-related lung cancer. Last evaluated: 2025-05-25. Review status: criteria provided, single submitter. Criteria: Invitae Variant Classification Sherloc (09022015). Collection method: clinical testing. Allele origin: germline.
Comment: This sequence change replaces valine, which is neutral and non-polar, with phenylalanine, which is neutral and non-polar, at codon 505 of the EGFR protein (p.Val505Phe). This variant is not present in population databases (gnomAD no frequency). This variant has not been reported in the literature in individuals affected with EGFR-related conditions. ClinVar contains an entry for this variant (Variation ID: 1504501). Invitae Evidence Modeling of protein sequence and biophysical properties (such as structural, functional, and spatial information, amino acid conservation, physicochemical variation, residue mobility, and thermodynamic stability) indicates that this missense variant is not expected to disrupt EGFR protein function with a negative predictive value of 80%. In summary, the available evidence is currently insufficient to determine the role of this variant in disease. Therefore, it has been classified as a Variant of Uncertain Significance.

Fulgent Genetics
Classification: Uncertain significance for Lung cancer; Inflammatory skin and bowel disease, neonatal, 2. Last evaluated: 2024-04-10. Review status: criteria provided, single submitter. Criteria: ACMG Guidelines, 2015. Collection method: clinical testing. Allele origin: germline.